The following is an entry in ClinVar:

NM_139315.3(TAF6):c.1876_1878del (p.Ser626del)

Genes: AP4M1 (adaptor related protein complex 4 subunit mu 1; plus strand), TAF6 (TATA-box binding protein associated factor 6; minus strand). Cytogenetic location: 7q22.1.
Variant type: Deletion.
Coding change: c.1876_1878del on transcript NM_139315.3 (MANE Select); coding-DNA positions 1876 to 1878, 3 bases deleted (TCT; older notation c.1876_1878delTCT).
Protein change: p.Ser626del; deletes serine 626.
Molecular consequence: inframe deletion. On other transcripts: non-coding transcript variant (1), 3 prime UTR variant (2).
Genome position (GRCh38, 1-based): chr7:100,107,402-100,107,404, AGA deleted on the plus strand (TCT on the coding strand, the reverse complement: TAF6 is on the minus strand); deleting any 3 consecutive bases within chr7:100,107,402-100,107,406 gives the same sequence; the c. name uses the placement nearest the transcript's 3' end. VCF-style (leftmost placement, unchanged base first): chr7-100107401-GAGA-G. GRCh37 (hg19) VCF-style: chr7-99705024-GAGA-G.
Other names: c.1987_1989del, p.Ser663del (NM_001190415.2); c.1876_1878del, p.Ser626del (NM_001364998.1, NM_001364999.1, NM_005641.4); c.1846_1848del, p.Ser616del (NM_001365000.1, NM_001365001.1, NM_001365002.1 and 1 more transcripts); c.2014_2016del, p.Ser672del (NM_001365004.1); c.*522_*524del (NM_001363671.2, NM_004722.4); short protein forms S663del, S626del, S616del, S672del.
Identifiers: ClinVar variation 1034199 (VCV001034199.1), dbSNP rs769880080, ClinGen allele CA4375142.

ClinVar aggregate classification (germline): Uncertain significance (1 of 4 stars; one submission).

Conditions:
Alazami-Yuan syndrome (ALYUS). Identifiers: Orphanet 694946, MedGen C4310702, MONDO:0014931, OMIM 617126.

Submission:

Baylor Genetics
Classification: Uncertain significance for Alazami-Yuan syndrome. Last evaluated: 2018-01-01. Review status: criteria provided, single submitter. Criteria: ACMG Guidelines, 2015. Collection method: clinical testing. Allele origin: paternal. Affected: yes.
Comment: This variant was determined to be of uncertain significance according to ACMG Guidelines, 2015 [PMID:25741868].